The following is an entry in ClinVar:

NM_144672.4(OTOA):c.2417A>C (p.Tyr806Ser)

Gene: OTOA (otoancorin). Cytogenetic location: 16p12.2.
Variant type: single nucleotide variant.
Coding change: c.2417A>C on transcript NM_144672.4 (MANE Select); coding-DNA position 2417, A replaced by C.
Protein change: p.Tyr806Ser; replaces tyrosine 806 with serine.
Molecular consequence: missense variant.
Genome position (GRCh38, 1-based): chr16:21,736,376, A>C. VCF-style: chr16-21736376-A-C. GRCh37 (hg19) VCF-style: chr16-21747697-A-C.
Other names: c.2180A>C, p.Tyr727Ser (NM_001161683.2); c.1445A>C, p.Tyr482Ser (NM_170664.3); short protein forms Y806S, Y727S, Y482S.
Identifiers: ClinVar variation 227749 (VCV000227749.14), dbSNP rs464691, ClinGen allele CA7952974.
Genomic context (GRCh38, chr16:21,736,376, plus strand): 5'-AAGAATTCCTCTGGGCTGTCTTTCAGTCTGTTCGGAACAGCAGTGATAAGATCCCCAGCT[A>C]TGACCCTATGCCTGGTGAGTGTTTTCAGGGTATCTGAGCCATTGCTGACATAGTAATTAA-3'
Protein context (NP_653273.3, residues 796-816): VRNSSDKIPS[Tyr806Ser]DPMPGCHGVV

ClinVar aggregate classification (germline): Conflicting classifications of pathogenicity. Review status: criteria provided, conflicting classifications (1 of 4 stars). 7 submissions from 7 submitters: Uncertain significance (1); Likely benign (6). Last evaluated 2026-02-12.

Conditions:
OTOA-related disorder. Also called: OTOA-related condition.

Allele frequency attached by ClinVar (database versions not stated): 1000 Genomes Project 30x 0.00062; ESP Exome Variant Server 0.00108; gnomAD 0.00127 and 0.00141; TOPMed 0.00136.
gnomAD v4.1: 561 of 1,613,148 alleles (0.035%); highest among the groups gnomAD compares: African/African-American, 0.35%; 2 homozygotes.

Submissions (7):

PreventionGenetics, part of Exact Sciences
Classification: Likely benign for OTOA-related condition. Last evaluated: 2026-02-12. Review status: criteria provided, single submitter. Criteria: ACMG Guidelines, 2015. Collection method: clinical testing. Allele origin: germline.
Comment: This variant is classified as likely benign based on ACMG/AMP sequence variant interpretation guidelines (Richards et al. 2015 PMID: 25741868, with internal and published modifications).

Women's Health and Genetics/Laboratory Corporation of America, LabCorp
Classification: Uncertain significance. Last evaluated: 2025-09-05. Review status: criteria provided, single submitter. Criteria: LabCorp Variant Classification Summary - May 2015. Collection method: clinical testing. Allele origin: germline.
Comment: Variant summary: OTOA c.2417A>C (p.Tyr806Ser) results in a non-conservative amino acid change in the encoded protein sequence. Algorithms developed to predict the effect of missense changes on protein structure and function are either unavailable or do not agree on the potential impact of this missense change. The variant allele was found at a frequency of 0.00042 in 250996 control chromosomes. This frequency is not significantly higher than estimated for disease-causing variants in OTOA, allowing no conclusion about variant significance. To our knowledge, no occurrence of c.2417A>C in individuals affected with OTOA-related conditions and no experimental evidence demonstrating its impact on protein function have been reported. ClinVar contains an entry for this variant (Variation ID: 227749). Based on the evidence outlined above, the variant was classified as uncertain significance.

Blueprint Genetics
Classification: Likely benign. Last evaluated: 2024-11-21. Review status: criteria provided, single submitter. Criteria: ACMG Guidelines, 2015. Collection method: clinical testing. Allele origin: germline.

Mayo Clinic Laboratories, Mayo Clinic
Classification: Likely benign. Last evaluated: 2024-10-23. Review status: criteria provided, single submitter. Criteria: ACMG Guidelines, 2015. Collection method: clinical testing. Allele origin: germline. Observed: 2 variant alleles.
Comment: BS1_supporting, BP4

GeneDx
Classification: Likely benign. Last evaluated: 2018-12-12. Review status: criteria provided, single submitter. Criteria: GeneDx Variant Classification Process June 2021. Collection method: clinical testing. Allele origin: germline. Affected: yes.

Laboratory for Molecular Medicine, Mass General Brigham Personalized Medicine
Classification: Likely benign. Last evaluated: 2015-06-08. Review status: criteria provided, single submitter. Criteria: LMM Criteria. Collection method: clinical testing. Allele origin: germline. Observed: 3 variant alleles.
Comment: p.Tyr806Ser in exon 21 of OTOA: This variant is not expected to have clinical s ignificance because the tyrosine (Tyr) residue at position 806 is not conserved through species, with >10 mammals having a serine (Ser) at this position. It has been identified in 0.4% (41/10356) of African chromosomes by the Exome Aggregat ion Consortium (ExAC; dbSNP rs464691).

Breakthrough Genomics
Classification: Likely benign. Review status: criteria provided, single submitter. Criteria: ACMG Guidelines, 2015. Collection method: not provided. Allele origin: germline. Inheritance: Autosomal recessive inheritance. Affected: yes.